The following is an entry in ClinVar:

NM_000293.3(PHKB):c.2852G>T (p.Arg951Leu)

Gene: PHKB (phosphorylase kinase regulatory subunit beta; plus strand). Cytogenetic location: 16q12.1.
Variant type: single nucleotide variant.
Coding change: c.2852G>T on transcript NM_000293.3 (MANE Select); coding-DNA position 2852, G replaced by T.
Protein change: p.Arg951Leu; replaces arginine 951 with leucine.
Molecular consequence: missense variant.
Genome position (GRCh38, 1-based): chr16:47,693,464, G>T. VCF-style: chr16-47693464-G-T. GRCh37 (hg19) VCF-style: chr16-47727375-G-T.
Other names: c.2852G>T (NM_000293.2); c.2831G>T, p.Arg944Leu (NM_001031835.3); c.2852G>T, p.Arg951Leu (NM_001363837.1); short protein forms R944L, R951L.
Identifiers: ClinVar variation 2081372 (VCV002081372.2), dbSNP rs144689991, ClinGen allele CA8041345.

ClinVar aggregate classification (germline): Uncertain significance. Review status: criteria provided, multiple submitters, no conflicts (2 of 4 stars). 2 submissions from 2 submitters: Uncertain significance (2). Last evaluated 2024-03-08.

Conditions:
Glycogen storage disease IXb (GSD9B). Also called: PHOSPHORYLASE KINASE DEFICIENCY OF LIVER AND MUSCLE, AUTOSOMAL RECESSIVE; GLYCOGENOSIS OF LIVER AND MUSCLE, AUTOSOMAL RECESSIVE; GSD IXb. Identifiers: Orphanet 79240, MedGen C0543514, MONDO:0009868, OMIM 261750.
Inborn genetic diseases. Identifiers: MedGen C0950123, MeSH D030342.

Allele frequency attached by ClinVar (database versions not stated): ExAC 0.00004; 1000 Genomes Project 0.00020; 1000 Genomes Project 30x 0.00031; ESP Exome Variant Server 0.00031.
gnomAD v4.1: 15 of 1,613,970 alleles (0.00093%); highest among the groups gnomAD compares: African/African-American, 0.02%; no homozygotes.

Submissions (2):

Ambry Genetics
Classification: Uncertain significance for Inborn genetic diseases. Last evaluated: 2024-03-08. Review status: criteria provided, single submitter. Criteria: Ambry Variant Classification Scheme 2023. Collection method: clinical testing. Allele origin: germline.

Labcorp Genetics (formerly Invitae), Labcorp
Classification: Uncertain significance for Glycogen storage disease IXb. Last evaluated: 2022-07-17. Review status: criteria provided, single submitter. Criteria: Invitae Variant Classification Sherloc (09022015). Collection method: clinical testing. Allele origin: germline.
Comment: This sequence change replaces arginine, which is basic and polar, with leucine, which is neutral and non-polar, at codon 951 of the PHKB protein (p.Arg951Leu). This variant is present in population databases (rs144689991, gnomAD 0.03%). This variant has not been reported in the literature in individuals affected with PHKB-related conditions. Algorithms developed to predict the effect of missense changes on protein structure and function (SIFT, PolyPhen-2, Align-GVGD) all suggest that this variant is likely to be disruptive. In summary, the available evidence is currently insufficient to determine the role of this variant in disease. Therefore, it has been classified as a Variant of Uncertain Significance.